The following is an entry in ClinVar:

ClinVar aggregate classification (germline): Uncertain significance (1 of 4 stars; one submission).

Conditions:
Congenital sideroblastic anemia-B-cell immunodeficiency-periodic fever-developmental delay syndrome. Also called: Sideroblastic anemia with B-cell immunodeficiency, periodic fevers, and developmental delay. Identifiers: Orphanet 369861, MedGen C4015172, MONDO:0014487, OMIM 616084.

Submission:

Labcorp Genetics (formerly Invitae), Labcorp
Classification: Uncertain significance for Congenital sideroblastic anemia-B-cell immunodeficiency-periodic fever-developmental delay syndrome. Last evaluated: 2022-07-21. Review status: criteria provided, single submitter. Criteria: Invitae Variant Classification Sherloc (09022015). Collection method: clinical testing. Allele origin: germline.
Comment: Algorithms developed to predict the effect of missense changes on protein structure and function are either unavailable or do not agree on the potential impact of this missense change (SIFT: "Not Available"; PolyPhen-2: "Benign"; Align-GVGD: "Not Available"). This variant has not been reported in the literature in individuals affected with TRNT1-related conditions. Information on the frequency of this variant in the gnomAD database is not available, as this variant may be reported differently in the database. This sequence change replaces serine, which is neutral and polar, with isoleucine, which is neutral and non-polar, at codon 47 of the TRNT1 protein (p.Ser47Ile). In summary, the available evidence is currently insufficient to determine the role of this variant in disease. Therefore, it has been classified as a Variant of Uncertain Significance.

NM_182916.3(TRNT1):c.140_141delinsTC (p.Ser47Ile)

Gene: TRNT1 (tRNA nucleotidyl transferase 1; plus strand). Cytogenetic location: 3p26.2.
Variant type: Indel.
Coding change: c.140_141delinsTC on transcript NM_182916.3 (MANE Select); coding-DNA positions 140 to 141, GT replaced by TC.
Protein change: p.Ser47Ile; replaces serine 47 with isoleucine.
Molecular consequence: missense variant. On other transcripts: non-coding transcript variant (11).
Genome position (GRCh38, 1-based): chr3:3,129,180-3,129,181, GT replaced by TC. VCF-style: chr3-3129180-GT-TC. GRCh37 (hg19) VCF-style: chr3-3170864-GT-TC.
Other names: c.140_141delinsTC, p.Ser47Ile (NM_001302946.2, NM_001367321.1, NM_001367322.1 and 1 more transcripts); short protein forms S47I.
Identifiers: ClinVar variation 1721777 (VCV001721777.5), dbSNP rs2471222504, ClinGen allele CA2580069152.